The following is an entry in ClinVar:

NM_001854.4(COL11A1):c.31A>G (p.Lys11Glu)

Gene: COL11A1 (collagen type XI alpha 1 chain; minus strand). Cytogenetic location: 1p21.1.
Variant type: single nucleotide variant.
Coding change: c.31A>G on transcript NM_001854.4 (MANE Select); coding-DNA position 31, A replaced by G.
Protein change: p.Lys11Glu; replaces lysine 11 with glutamic acid.
Molecular consequence: missense variant. On other transcripts: non-coding transcript variant (1).
Genome position (GRCh38, 1-based): chr1:103,108,148, T>C on the plus strand (A>G on the coding strand, the complement: COL11A1 is on the minus strand). VCF-style: chr1-103108148-T-C. GRCh37 (hg19) VCF-style: chr1-103573704-T-C.
Other names: c.31A>G, p.Lys11Glu (NM_001168249.1, NM_001190709.2, NM_080629.3 and 1 more transcripts); short protein forms K11E.
Identifiers: ClinVar variation 2663285 (VCV002663285.1), dbSNP rs773297282, ClinGen allele CA975589.

ClinVar aggregate classification (germline): Uncertain significance (1 of 4 stars; one submission).

Allele frequency attached by ClinVar (database versions not stated): gnomAD 0.00001; gnomAD exomes 0.00001; ExAC 0.00002.
gnomAD v4.1: 15 of 1,613,762 alleles (0.00093%); highest among the groups gnomAD compares: South Asian, 0.016%; no homozygotes.

Submission:

GeneDx
Classification: Uncertain significance. Last evaluated: 2023-09-22. Review status: criteria provided, single submitter. Criteria: GeneDx Variant Classification Process June 2021. Collection method: clinical testing. Allele origin: germline. Affected: yes.
Comment: Has not been previously published as pathogenic or benign to our knowledge; In silico analysis supports that this missense variant does not alter protein structure/function; Not located in the triple helical region, where the majority of pathogenic missense variants occur (HGMD; Acke et al., 2014)